The following is an entry in ClinVar:

NM_001048174.2(MUTYH):c.805T>A (p.Cys269Ser)

Gene: MUTYH (mutY DNA glycosylase; minus strand). Cytogenetic location: 1p34.1.
Variant type: single nucleotide variant.
Coding change: c.805T>A on transcript NM_001048174.2 (MANE Select); coding-DNA position 805, T replaced by A.
Protein change: p.Cys269Ser; replaces cysteine 269 with serine.
Molecular consequence: missense variant. On other transcripts: non-coding transcript variant (2).
Genome position (GRCh38, 1-based): chr1:45,332,210, A>T on the plus strand (T>A on the coding strand, the complement: MUTYH is on the minus strand). VCF-style: chr1-45332210-A-T. GRCh37 (hg19) VCF-style: chr1-45797882-A-T.
Other names: c.805T>A, p.Cys269Ser (NM_001048171.2, NM_001048173.2, NM_001293195.2); c.808T>A, p.Cys270Ser (NM_001048172.2); c.889T>A, p.Cys297Ser (NM_001128425.2); c.850T>A, p.Cys284Ser (NM_001293190.2); c.838T>A, p.Cys280Ser (NM_001293191.2); c.529T>A, p.Cys177Ser (NM_001293192.2, NM_001293196.2); c.460T>A, p.Cys154Ser (NM_001350650.2, NM_001350651.2); c.880T>A, p.Cys294Ser (NM_012222.3); short protein forms C154S, C269S, C177S, C280S, C294S, C270S, C297S, C284S.
Identifiers: ClinVar variation 1045524 (VCV001045524.12), dbSNP rs1645027632, ClinGen allele CA340134444.

ClinVar aggregate classification (germline): Conflicting classifications of pathogenicity. Review status: criteria provided, conflicting classifications (1 of 4 stars). 2 submissions from 2 submitters: Likely pathogenic (1); Uncertain significance (1). Last evaluated 2025-08-15.

Conditions:
Hereditary cancer-predisposing syndrome. Also called: Neoplastic Syndromes, Hereditary; Hereditary Cancer Syndrome; Hereditary neoplastic syndrome; Tumor predisposition. Identifiers: Orphanet 140162, MedGen C0027672, MeSH D009386, MONDO:0015356.
Familial adenomatous polyposis 2. Also called: Adenomas, multiple colorectal; MUTYH Polyposis; COLORECTAL ADENOMATOUS POLYPOSIS, AUTOSOMAL RECESSIVE; ADENOMAS, MULTIPLE COLORECTAL, AUTOSOMAL RECESSIVE; FAP type 2; MUTYH-associated polyposis. Identifiers: Orphanet 220460, Orphanet 247798, MedGen C3272841, MONDO:0012041, OMIM 608456.

Submissions (2):

Ambry Genetics
Classification: Likely pathogenic for Hereditary cancer-predisposing syndrome. Last evaluated: 2025-08-15. Review status: criteria provided, single submitter. Criteria: Ambry Variant Classification Scheme 2023. Collection method: clinical testing. Allele origin: germline.
Comment: The p.C297S variant (also known as c.889T>A), located in coding exon 10 of the MUTYH gene, results from a T to A substitution at nucleotide position 889. The cysteine at codon 297 is replaced by serine, an amino acid with dissimilar properties. In a massively parallel cell-based functional assay testing 7,8-dihydro-8- oxoguanine:adenine (8OG:A) repair activity, a byproduct of oxidative damage, this variant was reported to be non-functional (Hemker SL et al. Am J Hum Genet. Published online July 29, 2025. DOI: 10.1016/j.ajhg.2025.07.005). This amino acid position is highly conserved in available vertebrate species. In addition, this alteration is predicted to be deleterious by in silico analysis. This variant is considered to be rare based on population cohorts in the Genome Aggregation Database (gnomAD). Based on the majority of available evidence to date, this variant is likely to be pathogenic.

Labcorp Genetics (formerly Invitae), Labcorp
Classification: Uncertain significance for Familial adenomatous polyposis 2. Last evaluated: 2020-08-18. Review status: criteria provided, single submitter. Criteria: Invitae Variant Classification Sherloc (09022015). Collection method: clinical testing. Allele origin: germline.
Comment: This sequence change replaces cysteine with serine at codon 297 of the MUTYH protein (p.Cys297Ser). The cysteine residue is highly conserved and there is a moderate physicochemical difference between cysteine and serine. This variant is not present in population databases (ExAC no frequency). This variant has not been reported in the literature in individuals with MUTYH-related conditions. Algorithms developed to predict the effect of missense changes on protein structure and function (SIFT, PolyPhen-2, Align-GVGD) all suggest that this variant is likely to be disruptive, but these predictions have not been confirmed by published functional studies and their clinical significance is uncertain. In summary, the available evidence is currently insufficient to determine the role of this variant in disease. Therefore, it has been classified as a Variant of Uncertain Significance.

Literature cited by the submitters: PubMed 40738107 (cited by Ambry Genetics).